The following is an entry in ClinVar:

ClinVar aggregate classification (germline): Uncertain significance (1 of 4 stars; one submission).

Allele frequency attached by ClinVar (database versions not stated): gnomAD exomes below 0.00001; ExAC 0.00001.
gnomAD v4.1: 5 of 1,614,116 alleles (0.00031%); highest among the groups gnomAD compares: Non-Finnish European, 0.00042%; no homozygotes.

Submission:

Ambry Genetics
Classification: Uncertain significance. Last evaluated: 2024-01-17. Review status: criteria provided, single submitter. Criteria: Ambry Variant Classification Scheme 2023. Collection method: clinical testing. Allele origin: germline.
Comment: The p.I309V variant (also known as c.925A>G), located in coding exon 4 of the MNDA gene, results from an A to G substitution at nucleotide position 925. The isoleucine at codon 309 is replaced by valine, an amino acid with highly similar properties. This amino acid position is conserved. In addition, this alteration is predicted to be tolerated by in silico analysis. Since supporting evidence is limited at this time, the clinical significance of this alteration remains unclear.

NM_002432.3(MNDA):c.925A>G (p.Ile309Val)

Gene: MNDA (myeloid cell nuclear differentiation antigen; plus strand). Cytogenetic location: 1q23.1.
Variant type: single nucleotide variant.
Coding change: c.925A>G on transcript NM_002432.3 (MANE Select); coding-DNA position 925, A replaced by G.
Protein change: p.Ile309Val; replaces isoleucine 309 with valine.
Molecular consequence: missense variant.
Genome position (GRCh38, 1-based): chr1:158,845,941, A>G. VCF-style: chr1-158845941-A-G. GRCh37 (hg19) VCF-style: chr1-158815731-A-G.
Other names: short protein forms I309V.
Identifiers: ClinVar variation 1766353 (VCV001766353.2), dbSNP rs772154397, ClinGen allele CA1185738.